The following is an entry in ClinVar:

ClinVar aggregate classification (germline): Pathogenic/Likely pathogenic. Review status: criteria provided, multiple submitters, no conflicts (2 of 4 stars). 2 submissions from 2 submitters: Pathogenic (1); Likely pathogenic (1). Last evaluated 2025-09-29.

Conditions:
Pulmonary fibrosis and/or bone marrow failure, Telomere-related, 3. Also called: PULMONARY FIBROSIS AND/OR BONE MARROW FAILURE SYNDROME, TELOMERE-RELATED, 3. Identifiers: Orphanet 2032, MedGen C4225346, MONDO:0014613, OMIM 616373.
Dyskeratosis congenita, autosomal recessive 5 (DKCB5). Identifiers: MedGen C3554656, MONDO:0014076, OMIM 615190.

Submissions (2):

Labcorp Genetics (formerly Invitae), Labcorp
Classification: Likely pathogenic for Dyskeratosis congenita, autosomal recessive 5; Pulmonary fibrosis and/or bone marrow failure, Telomere-related, 3. Last evaluated: 2025-09-29. Review status: criteria provided, single submitter. Criteria: Invitae Variant Classification Sherloc (09022015). Collection method: clinical testing. Allele origin: germline.
Comment: This sequence change affects a donor splice site in intron 31 of the RTEL1 gene. It is expected to disrupt RNA splicing. Variants that disrupt the donor or acceptor splice site typically lead to a loss of protein function (PMID: 16199547), and loss-of-function variants in RTEL1 are known to be pathogenic (PMID: 23453664, 23959892, 25607374). This variant is not present in population databases (gnomAD no frequency). Disruption of this splice site has been observed in individual(s) with hematologic disorder (PMID: 35419889). This variant is also known as c.3181+1G>C. ClinVar contains an entry for this variant (Variation ID: 1342130). Algorithms developed to predict the effect of sequence changes on RNA splicing suggest that this variant may disrupt the consensus splice site. In summary, the currently available evidence indicates that the variant is pathogenic, but additional data are needed to prove that conclusively. Therefore, this variant has been classified as Likely Pathogenic.

Genetic Services Laboratory, University of Chicago
Classification: Pathogenic. Last evaluated: 2022-01-25. Review status: criteria provided, single submitter. Criteria: ACMG Guidelines, 2015. Collection method: clinical testing. Allele origin: germline.

Literature cited by the submitters: PubMed 16199547 (cited by Labcorp Genetics (formerly Invitae), Labcorp); PubMed 23453664 (cited by Labcorp Genetics (formerly Invitae), Labcorp); PubMed 23959892 (cited by Labcorp Genetics (formerly Invitae), Labcorp); PubMed 25607374 (cited by Labcorp Genetics (formerly Invitae), Labcorp); PubMed 35419889 (cited by Labcorp Genetics (formerly Invitae), Labcorp).

NM_001283009.2(RTEL1):c.3109+1G>C

Genes: RTEL1 (regulator of telomere elongation helicase 1; plus strand), RTEL1-TNFRSF6B (RTEL1-TNFRSF6B readthrough (NMD candidate); plus strand). Cytogenetic location: 20q13.33.
Variant type: single nucleotide variant.
Coding change: c.3109+1G>C on transcript NM_001283009.2 (MANE Select); the canonical splice donor site of the intron after coding-DNA position 3109, G replaced by C.
Molecular consequence: splice donor variant.
Genome position (GRCh38, 1-based): chr20:63,694,489, G>C. VCF-style: chr20-63694489-G-C. GRCh37 (hg19) VCF-style: chr20-62325842-G-C.
Other names: c.2440+1G>C (NM_001283010.1); c.3181+1G>C (NM_032957.5); c.3109+1G>C (NM_016434.4).
Identifiers: ClinVar variation 1342130 (VCV001342130.5), dbSNP rs2145471794, ClinGen allele CA409684735.